The following is an entry in ClinVar:

ClinVar aggregate classification (germline): Uncertain significance (1 of 4 stars; one submission).

Allele frequency attached by ClinVar (database versions not stated): gnomAD 0.00001; ExAC 0.00001; TOPMed 0.00001; gnomAD exomes 0.00002; ESP Exome Variant Server 0.00008.
gnomAD v4.1: 23 of 1,613,924 alleles (0.0014%); highest among the groups gnomAD compares: Admixed American, 0.005%; no homozygotes.

Submission:

Labcorp Genetics (formerly Invitae), Labcorp
Classification: Uncertain significance. Last evaluated: 2022-03-31. Review status: criteria provided, single submitter. Criteria: Invitae Variant Classification Sherloc (09022015). Collection method: clinical testing. Allele origin: germline.
Comment: In summary, the available evidence is currently insufficient to determine the role of this variant in disease. Therefore, it has been classified as a Variant of Uncertain Significance. Algorithms developed to predict the effect of missense changes on protein structure and function are either unavailable or do not agree on the potential impact of this missense change (SIFT: "Deleterious"; PolyPhen-2: "Probably Damaging"; Align-GVGD: "Class C15"). This variant has not been reported in the literature in individuals affected with LRRC8A-related conditions. This variant is present in population databases (rs140343083, gnomAD 0.006%). This sequence change replaces aspartic acid, which is acidic and polar, with asparagine, which is neutral and polar, at codon 165 of the LRRC8A protein (p.Asp165Asn).

NM_019594.4(LRRC8A):c.493G>A (p.Asp165Asn)

Gene: LRRC8A (leucine rich repeat containing 8 VRAC subunit A; plus strand). Cytogenetic location: 9q34.11.
Variant type: single nucleotide variant.
Coding change: c.493G>A on transcript NM_019594.4 (MANE Select); coding-DNA position 493, G replaced by A.
Protein change: p.Asp165Asn; replaces aspartic acid 165 with asparagine.
Molecular consequence: missense variant.
Genome position (GRCh38, 1-based): chr9:128,907,657, G>A. VCF-style: chr9-128907657-G-A. GRCh37 (hg19) VCF-style: chr9-131669936-G-A.
Other names: c.493G>A, p.Asp165Asn (NM_001127244.2, NM_001127245.2); short protein forms D165N.
Identifiers: ClinVar variation 2066853 (VCV002066853.4), dbSNP rs140343083, ClinGen allele CA5270719.